The following is an entry in ClinVar:

ClinVar aggregate classification (germline): Pathogenic. Review status: criteria provided, multiple submitters, no conflicts (2 of 4 stars). 2 submissions from 2 submitters: Pathogenic (2). Last evaluated 2023-05-15.

Conditions:
Familial adenomatous polyposis 1 (FAP1). Also called: POLYPOSIS, ADENOMATOUS INTESTINAL; FAMILIAL ADENOMATOUS POLYPOSIS 1, ATTENUATED. Identifiers: MedGen C2713442, MONDO:0021056, OMIM 175100. Disease mechanism: loss of function.

Submissions (2):

Myriad Genetics, Inc.
Classification: Pathogenic for Familial adenomatous polyposis 1. Last evaluated: 2023-05-15. Review status: criteria provided, single submitter. Criteria: Myriad Autosomal Dominant, Autosomal Recessive and X-Linked Classification Criteria (2023). Collection method: clinical testing. Allele origin: unknown.
Comment: This variant is considered pathogenic. This variant creates a frameshift predicted to result in premature protein truncation.

Labcorp Genetics (formerly Invitae), Labcorp
Classification: Pathogenic for Familial adenomatous polyposis 1. Last evaluated: 2020-12-07. Review status: criteria provided, single submitter. Criteria: Invitae Variant Classification Sherloc (09022015). Collection method: clinical testing. Allele origin: germline.
Comment: This variant has not been reported in the literature in individuals with APC-related conditions. A different truncation (p.Tyr2645Lysfs*14) that lies downstream of this variant has been determined to be pathogenic (PMID: 9824584, 1316610, 27081525, 8381579, 22135120, Invitae). This suggests that deletion of this region of the APC protein is causative of disease. For these reasons, this variant has been classified as Pathogenic. This variant is expected to disrupt the EB1 and HDLG binding sites, which mediate interactions with the cytoskeleton (PMID: 15311282, 17293347). While functional studies have not been performed to directly test the effect on APC protein function, this suggests that disruption of the C-terminal portion of the protein is functionally important. This variant is not present in population databases (ExAC no frequency). This sequence change creates a premature translational stop signal (p.Asn2162Argfs*16) in the APC gene. While this is not anticipated to result in nonsense mediated decay, it is expected to disrupt the last 682 amino acid(s) of the APC protein.

Literature cited by the submitters: PubMed 9824584 (cited by Labcorp Genetics (formerly Invitae), Labcorp); PubMed 1316610 (cited by Labcorp Genetics (formerly Invitae), Labcorp); PubMed 27081525 (cited by Labcorp Genetics (formerly Invitae), Labcorp); PubMed 8381579 (cited by Labcorp Genetics (formerly Invitae), Labcorp); PubMed 22135120 (cited by Labcorp Genetics (formerly Invitae), Labcorp); PubMed 15311282 (cited by Labcorp Genetics (formerly Invitae), Labcorp); PubMed 17293347 (cited by Labcorp Genetics (formerly Invitae), Labcorp).

NM_000038.6(APC):c.6485_6489del (p.Asn2162fs)

Gene: APC (APC regulator of Wnt signaling pathway; plus strand). Cytogenetic location: 5q22.2.
Variant type: Deletion.
Coding change: c.6485_6489del on transcript NM_000038.6 (MANE Select); coding-DNA positions 6485 to 6489, 5 bases deleted (ATAAA; older notation c.6485_6489delATAAA).
Protein change: p.Asn2162fs; shifts the reading frame from asparagine 2162.
Molecular consequence: frameshift variant.
Genome position (GRCh38, 1-based): chr5:112,842,079-112,842,083, ATAAA deleted; deleting any 5 consecutive bases within chr5:112,842,078-112,842,083 gives the same sequence; the c. name uses the placement nearest the transcript's 3' end. VCF-style (leftmost placement, unchanged base first): chr5-112842077-TAATAA-T. GRCh37 (hg19) VCF-style: chr5-112177774-TAATAA-T.
Other names: c.6485_6489del, p.Asn2162fs (NM_001127510.3, NM_001354895.2); c.6431_6435del, p.Asn2144fs (NM_001127511.3); c.6539_6543del, p.Asn2180fs (NM_001354896.2); c.6515_6519del, p.Asn2172fs (NM_001354897.2); c.6410_6414del, p.Asn2137fs (NM_001354898.2); c.6401_6405del, p.Asn2134fs (NM_001354899.2); c.6362_6366del, p.Asn2121fs (NM_001354900.2); c.6308_6312del, p.Asn2103fs (NM_001354901.2); and 5 more; short protein forms N2036fs, N2071fs, N2134fs, N2180fs, N1879fs, N2061fs, N2172fs, N2002fs.
Identifiers: ClinVar variation 1456201 (VCV001456201.9), dbSNP rs2149965938, ClinGen allele CA2573138696.